The following is an entry in ClinVar:

NM_014915.3(ANKRD26):c.3901T>G (p.Leu1301Val)

Gene: ANKRD26 (ankyrin repeat domain 26; minus strand). Cytogenetic location: 10p12.1.
Variant type: single nucleotide variant.
Coding change: c.3901T>G on transcript NM_014915.3 (MANE Select); coding-DNA position 3901, T replaced by G.
Protein change: p.Leu1301Val; replaces leucine 1301 with valine.
Molecular consequence: missense variant.
Genome position (GRCh38, 1-based): chr10:27,028,923, A>C on the plus strand (T>G on the coding strand, the complement: ANKRD26 is on the minus strand). VCF-style: chr10-27028923-A-C. GRCh37 (hg19) VCF-style: chr10-27317852-A-C.
Other names: c.3898T>G, p.Leu1300Val (NM_001256053.2); short protein forms L1300V, L1301V.
Identifiers: ClinVar variation 1801873 (VCV001801873.8), dbSNP rs201679608, ClinGen allele CA5447901.

ClinVar aggregate classification (germline): Uncertain significance. Review status: criteria provided, multiple submitters, no conflicts (2 of 4 stars). 3 submissions from 3 submitters: Uncertain significance (3). Last evaluated 2025-08-03.

Conditions:
Inborn genetic diseases. Identifiers: MedGen C0950123, MeSH D030342.

Allele frequency attached by ClinVar (database versions not stated): gnomAD exomes 0.00001; ExAC 0.00003; gnomAD 0.00009; TOPMed 0.00016; 1000 Genomes Project 0.00060; 1000 Genomes Project 30x 0.00062.
gnomAD v4.1: 24 of 1,612,402 alleles (0.0015%); highest among the groups gnomAD compares: Admixed American, 0.033%; no homozygotes.

Submissions (3):

Ambry Genetics
Classification: Uncertain significance for Inborn genetic diseases. Last evaluated: 2025-08-03. Review status: criteria provided, single submitter. Criteria: Ambry Variant Classification Scheme 2023. Collection method: clinical testing. Allele origin: germline.

Labcorp Genetics (formerly Invitae), Labcorp
Classification: Uncertain significance. Last evaluated: 2025-07-31. Review status: criteria provided, single submitter. Criteria: Invitae Variant Classification Sherloc (09022015). Collection method: clinical testing. Allele origin: germline.
Comment: This sequence change replaces leucine, which is neutral and non-polar, with valine, which is neutral and non-polar, at codon 1301 of the ANKRD26 protein (p.Leu1301Val). This variant is present in population databases (rs201679608, gnomAD 0.009%). This variant has not been reported in the literature in individuals affected with ANKRD26-related conditions. ClinVar contains an entry for this variant (Variation ID: 1801873). An algorithm developed to predict the effect of missense changes on protein structure and function (PolyPhen-2) suggests that this variant is likely to be disruptive. In summary, the available evidence is currently insufficient to determine the role of this variant in disease. Therefore, it has been classified as a Variant of Uncertain Significance.

GeneDx
Classification: Uncertain significance. Last evaluated: 2022-06-01. Review status: criteria provided, single submitter. Criteria: GeneDx Variant Classification Process June 2021. Collection method: clinical testing. Allele origin: germline. Affected: yes.
Comment: Not observed at significant frequency in large population cohorts (gnomAD); In silico analysis supports that this missense variant does not alter protein structure/function; Has not been previously published as pathogenic or benign to our knowledge